The following is an entry in ClinVar:

ClinVar aggregate classification (germline): Likely benign. Review status: criteria provided, single submitter (1 of 4 stars). 2 submissions from 2 submitters: Likely benign (1). 1 of the submissions does not count toward it. Last evaluated 2022-11-17.

Conditions:
DSPP-related disorder. Also called: DSPP-related condition.

Allele frequency attached by ClinVar (database versions not stated): gnomAD exomes 0.00002; gnomAD 0.00004; ExAC 0.00005; TOPMed 0.00005; 1000 Genomes Project 30x 0.00016; 1000 Genomes Project 0.00020.
gnomAD v4.1: 44 of 1,613,086 alleles (0.0027%); highest among the groups gnomAD compares: East Asian, 0.029%; no homozygotes.

Submissions (2):

Blueprint Genetics
Classification: Likely benign. Last evaluated: 2022-11-17. Review status: criteria provided, single submitter. Criteria: ACMG Guidelines, 2015. Collection method: clinical testing. Allele origin: germline.

PreventionGenetics, part of Exact Sciences
Classification: Likely benign for DSPP-related condition. Last evaluated: 2019-06-17. Review status: no assertion criteria provided. Collection method: clinical testing. Allele origin: germline. Not counted in ClinVar's aggregate classification.
Comment: This variant is classified as likely benign based on ACMG/AMP sequence variant interpretation guidelines (Richards et al. 2015 PMID: 25741868, with internal and published modifications).

NM_014208.3(DSPP):c.52-8C>T

Genes: DMP1-AS1 (DMP1 and DSPP antisense RNA 1; minus strand), DSPP (dentin sialophosphoprotein; plus strand). Cytogenetic location: 4q22.1.
Variant type: single nucleotide variant.
Coding change: c.52-8C>T on transcript NM_014208.3 (MANE Select); 8 bases into the intron before coding-DNA position 52, C replaced by T.
Molecular consequence: intron variant.
Genome position (GRCh38, 1-based): chr4:87,612,097, C>T. VCF-style: chr4-87612097-C-T. GRCh37 (hg19) VCF-style: chr4-88533249-C-T.
Identifiers: ClinVar variation 3033858 (VCV003033858.3), dbSNP rs184197499, ClinGen allele CA3000816.